The following is an entry in ClinVar:

ClinVar aggregate classification (germline): Benign/Likely benign. Review status: criteria provided, multiple submitters, no conflicts (2 of 4 stars). 5 submissions from 5 submitters: Benign (4); Likely benign (1). Last evaluated 2026-09-01.

Conditions:
Agammaglobulinemia 2, autosomal recessive (AGM2). Also called: AGAMMAGLOBULINEMIA, AUTOSOMAL RECESSIVE, DUE TO IGLL1 DEFECT. Identifiers: MedGen C3150750, MONDO:0013287, OMIM 613500.

Allele frequency attached by ClinVar (database versions not stated): ESP Exome Variant Server 0.00261; gnomAD exomes 0.00393 and 0.00492; ExAC 0.00449; 1000 Genomes Project 0.00679; gnomAD 0.00730 and 0.00740; TOPMed 0.00772; 1000 Genomes Project 30x 0.01140.
gnomAD v4.1: 6,870 of 1,612,768 alleles (0.43%); highest among the groups gnomAD compares: East Asian, 1.1%; 28 homozygotes.

Submissions (5):

CeGaT Center for Human Genetics Tuebingen
Classification: Benign. Last evaluated: 2026-09-01. Review status: criteria provided, single submitter. Criteria: CeGaT Center For Human Genetics Tuebingen Variant Classification Criteria Version 2. Collection method: clinical testing. Allele origin: germline. Affected: yes. Observed: 4 variant alleles.
Comment: IGLL1: BS1, BS2

Women's Health and Genetics/Laboratory Corporation of America, LabCorp
Classification: Likely benign. Last evaluated: 2026-03-30. Review status: criteria provided, single submitter. Criteria: LabCorp Variant Classification Summary - May 2015. Collection method: clinical testing. Allele origin: germline.

Labcorp Genetics (formerly Invitae), Labcorp
Classification: Benign for Agammaglobulinemia 2, autosomal recessive. Last evaluated: 2026-02-03. Review status: criteria provided, single submitter. Criteria: Invitae Variant Classification Sherloc (09022015). Collection method: clinical testing. Allele origin: germline.

ARUP Laboratories, Molecular Genetics and Genomics, ARUP Laboratories
Classification: Benign for Agammaglobulinemia 2, autosomal recessive. Last evaluated: 2020-07-02. Review status: criteria provided, single submitter. Criteria: ARUP Molecular Germline Variant Investigation Process. Collection method: clinical testing. Allele origin: germline.

Breakthrough Genomics
Classification: Benign. Review status: criteria provided, single submitter. Criteria: ACMG Guidelines, 2015. Collection method: not provided. Allele origin: germline. Inheritance: Autosomal recessive inheritance. Affected: yes.

NM_020070.4(IGLL1):c.512A>G (p.Asn171Ser)

Gene: IGLL1 (immunoglobulin lambda like polypeptide 1; minus strand). Cytogenetic location: 22q11.23.
Variant type: single nucleotide variant.
Coding change: c.512A>G on transcript NM_020070.4 (MANE Select); coding-DNA position 512, A replaced by G.
Protein change: p.Asn171Ser; replaces asparagine 171 with serine.
Molecular consequence: missense variant. On other transcripts: 3 prime UTR variant (1).
Genome position (GRCh38, 1-based): chr22:23,573,396, T>C on the plus strand (A>G on the coding strand, the complement: IGLL1 is on the minus strand). VCF-style: chr22-23573396-T-C. GRCh37 (hg19) VCF-style: chr22-23915583-T-C.
Other names: c.515A>G, p.Asn172Ser (NM_001369906.1); c.*141A>G (NM_152855.3); short protein forms N171S, N172S.
Identifiers: ClinVar variation 439822 (VCV000439822.30), dbSNP rs1064421, ClinGen allele CA10143248.